The following is an entry in ClinVar:

ClinVar aggregate classification (germline): Uncertain significance (1 of 4 stars; one submission).

Conditions:
Hereditary nonpolyposis colorectal neoplasms. Identifiers: MedGen C0009405, MeSH D003123.

Submission:

Labcorp Genetics (formerly Invitae), Labcorp
Classification: Uncertain significance for Hereditary nonpolyposis colorectal neoplasms. Last evaluated: 2024-01-18. Review status: criteria provided, single submitter. Criteria: Invitae Variant Classification Sherloc (09022015). Collection method: clinical testing. Allele origin: germline.
Comment: This sequence change replaces leucine, which is neutral and non-polar, with glutamine, which is neutral and polar, at codon 790 of the PMS2 protein (p.Leu790Gln). The frequency data for this variant in the population databases (gnomAD) is considered unreliable due to the presence of homologous sequence, such as pseudogenes or paralogs, in the genome. This variant has not been reported in the literature in individuals affected with PMS2-related conditions. Advanced modeling of protein sequence and biophysical properties (such as structural, functional, and spatial information, amino acid conservation, physicochemical variation, residue mobility, and thermodynamic stability) performed at Invitae indicates that this missense variant is expected to disrupt PMS2 protein function with a positive predictive value of 80%. In summary, the available evidence is currently insufficient to determine the role of this variant in disease. Therefore, it has been classified as a Variant of Uncertain Significance.

NM_000535.7(PMS2):c.2369T>A (p.Leu790Gln)

Gene: PMS2 (PMS1 homolog 2, mismatch repair system component; minus strand). Cytogenetic location: 7p22.1.
Variant type: single nucleotide variant.
Coding change: c.2369T>A on transcript NM_000535.7 (MANE Select); coding-DNA position 2369, T replaced by A.
Protein change: p.Leu790Gln; replaces leucine 790 with glutamine.
Molecular consequence: missense variant. On other transcripts: non-coding transcript variant (1).
Genome position (GRCh38, 1-based): chr7:5,977,664, A>T on the plus strand (T>A on the coding strand, the complement: PMS2 is on the minus strand). VCF-style: chr7-5977664-A-T. GRCh37 (hg19) VCF-style: chr7-6017295-A-T.
Other names: c.1964T>A, p.Leu655Gln (NM_001018040.1, NM_001322003.2, NM_001322004.2 and 12 more transcripts); c.2213T>A, p.Leu738Gln (NM_001322006.2); c.2051T>A, p.Leu684Gln (NM_001322007.2, NM_001322008.2, NM_001406883.1); c.1997T>A, p.Leu666Gln (NM_001322009.2, NM_001406887.1, NM_001406888.1); c.1808T>A, p.Leu603Gln (NM_001322010.2, NM_001406906.1, NM_001406907.1); c.1436T>A, p.Leu479Gln (NM_001322011.2, NM_001322012.2); c.1796T>A, p.Leu599Gln (NM_001322013.2, NM_001406908.1, NM_001406909.1); c.2402T>A, p.Leu801Gln (NM_001322014.2); and 20 more; short protein forms L389Q, L599Q, L619Q, L666Q, L668Q, L687Q, L724Q, L734Q.
Identifiers: ClinVar variation 2709967 (VCV002709967.3), dbSNP rs2128673550, ClinGen allele CA366735802.
Genomic context (GRCh38, chr7:5,977,664, plus strand): 5'-CTGGAGGCAAACATCTGCTTGACTCGGGAAGGCCGGCACATGACCCCAGGGCTGTCGCTC[A>T]GCATGAAGATCAGTTCATCGACGTCCTGGGGTCCGAAGGTCCAGTTTTTACTAGTTGGCA-3'
Protein context (NP_000526.2, residues 780-800): PQDVDELIFM[Leu790Gln]SDSPGVMCRP